The following is an entry in ClinVar:

ClinVar aggregate classification (germline): Uncertain significance (1 of 4 stars; one submission).

Conditions:
Benign neonatal seizures. Also called: Convulsions benign familial neonatal dominant form; Autosomal dominant form of benign neonatal seizures; Benign neonatal familial convulsions; Benign familial neonatal seizures; Benign familial neonatal epilepsy. Identifiers: Orphanet 1949, MedGen C0220669, MONDO:0016027.

Allele frequency attached by ClinVar (database versions not stated): gnomAD exomes below 0.00001; TOPMed below 0.00001; ExAC 0.00001.
gnomAD v4.1: 2 of 1,614,006 alleles (0.00012%); highest among the groups gnomAD compares: Non-Finnish European, 0.000085%; no homozygotes.

Submission:

Labcorp Genetics (formerly Invitae), Labcorp
Classification: Uncertain significance for Benign neonatal seizures. Last evaluated: 2023-02-06. Review status: criteria provided, single submitter. Criteria: Invitae Variant Classification Sherloc (09022015). Collection method: clinical testing. Allele origin: germline.
Comment: In summary, the available evidence is currently insufficient to determine the role of this variant in disease. Therefore, it has been classified as a Variant of Uncertain Significance. Algorithms developed to predict the effect of sequence changes on RNA splicing suggest that this variant may disrupt the consensus splice site. This variant has not been reported in the literature in individuals affected with KCNQ3-related conditions. This variant is present in population databases (rs760012446, gnomAD 0.0009%). This sequence change affects codon 588 of the KCNQ3 mRNA. It is a 'silent' change, meaning that it does not change the encoded amino acid sequence of the KCNQ3 protein.

NM_004519.4(KCNQ3):c.1764G>C (p.Gly588=)

Gene: KCNQ3 (potassium voltage-gated channel subfamily Q member 3; minus strand). Cytogenetic location: 8q24.22.
Variant type: single nucleotide variant.
Coding change: c.1764G>C on transcript NM_004519.4 (MANE Select); coding-DNA position 1764, G replaced by C.
Protein change: p.Gly588=; no amino-acid change (glycine 588 retained).
Molecular consequence: synonymous variant.
Genome position (GRCh38, 1-based): chr8:132,134,325, C>G on the plus strand (G>C on the coding strand, the complement: KCNQ3 is on the minus strand). VCF-style: chr8-132134325-C-G. GRCh37 (hg19) VCF-style: chr8-133146572-C-G.
Other names: c.1404G>C, p.Gly468= (NM_001204824.2).
Identifiers: ClinVar variation 2157245 (VCV002157245.4), dbSNP rs760012446, ClinGen allele CA4880600.